The following is an entry in ClinVar:

NM_012120.3(CD2AP):c.1546G>A (p.Glu516Lys)

Gene: CD2AP (CD2 associated protein; plus strand). Cytogenetic location: 6p12.3.
Variant type: single nucleotide variant.
Coding change: c.1546G>A on transcript NM_012120.3 (MANE Select); coding-DNA position 1546, G replaced by A.
Protein change: p.Glu516Lys; replaces glutamic acid 516 with lysine.
Molecular consequence: missense variant.
Genome position (GRCh38, 1-based): chr6:47,607,942, G>A. VCF-style: chr6-47607942-G-A. GRCh37 (hg19) VCF-style: chr6-47575678-G-A.
Other names: c.1546G>A (NM_012120.2); short protein forms E516K.
Identifiers: ClinVar variation 2575992 (VCV002575992.3), dbSNP rs749511546, ClinGen allele CA3844378.

ClinVar aggregate classification (germline): Uncertain significance. Review status: criteria provided, multiple submitters, no conflicts (2 of 4 stars). 3 submissions from 3 submitters: Uncertain significance (3). Last evaluated 2025-02-25.

Conditions:
Focal segmental glomerulosclerosis (FSGS). Also called: Glomerulosclerosis, focal; Focal sclerosis with hyalinosis. Identifiers: MedGen C0017668, MONDO:0100313, HP:0000097. Disease mechanism: loss of function.

Allele frequency attached by ClinVar (database versions not stated): TOPMed 0.00003; gnomAD 0.00001; gnomAD exomes 0.00001; ExAC 0.00002.
gnomAD v4.1: 21 of 1,611,838 alleles (0.0013%); highest among the groups gnomAD compares: South Asian, 0.012%; no homozygotes.

Submissions (3):

Labcorp Genetics (formerly Invitae), Labcorp
Classification: Uncertain significance. Last evaluated: 2025-02-25. Review status: criteria provided, single submitter. Criteria: Invitae Variant Classification Sherloc (09022015). Collection method: clinical testing. Allele origin: germline.
Comment: This sequence change replaces glutamic acid, which is acidic and polar, with lysine, which is basic and polar, at codon 516 of the CD2AP protein (p.Glu516Lys). This variant is present in population databases (rs749511546, gnomAD 0.02%). This variant has not been reported in the literature in individuals affected with CD2AP-related conditions. ClinVar contains an entry for this variant (Variation ID: 2575992). An algorithm developed to predict the effect of missense changes on protein structure and function (PolyPhen-2) suggests that this variant is likely to be disruptive. In summary, the available evidence is currently insufficient to determine the role of this variant in disease. Therefore, it has been classified as a Variant of Uncertain Significance.

Molecular Genetics McLendon Clinical Laboratories, University of North Carolina at Chapel Hill
Classification: Uncertain significance for Focal segmental glomerulosclerosis. Last evaluated: 2024-06-13. Review status: criteria provided, single submitter. Criteria: ACMG Guidelines, 2015. Collection method: clinical testing. Allele origin: germline.

Institute for Clinical Genetics, University Hospital TU Dresden, University Hospital TU Dresden
Classification: Uncertain significance. Last evaluated: 2023-01-19. Review status: criteria provided, single submitter. Criteria: ACMG Guidelines, 2015. Collection method: clinical testing. Allele origin: paternal.
Comment: PM2_SUP